The following is an entry in ClinVar:

NM_020207.7(ERCC6L2):c.1228A>G (p.Thr410Ala)

Gene: ERCC6L2 (ERCC excision repair 6 like 2; plus strand). Cytogenetic location: 9q22.32.
Variant type: single nucleotide variant.
Coding change: c.1228A>G on transcript NM_020207.7 (MANE Select); coding-DNA position 1228, A replaced by G.
Protein change: p.Thr410Ala; replaces threonine 410 with alanine.
Molecular consequence: missense variant. On other transcripts: non-coding transcript variant (1).
Genome position (GRCh38, 1-based): chr9:95,921,244, A>G. VCF-style: chr9-95921244-A-G. GRCh37 (hg19) VCF-style: chr9-98683526-A-G.
Other names: c.1228A>G, p.Thr410Ala (NM_001010895.4, NM_001375291.1, NM_001375292.1 and 2 more transcripts); short protein forms T410A.
Identifiers: ClinVar variation 4250578 (VCV004250578.1).
Genomic context (GRCh38, chr9:95,921,244, plus strand): 5'-TGTTCTTTGACAGATTTCCAGAAAGCTGTCTATCAAACAGTGTTAGAAACAGAGGACGTG[A>G]CTTTGATACTTCAATCTTCTGAGCCTTGTACCTGTAGGAGTGGCCAAAAAAGGAGAAATT-3'
Protein context (NP_064592.3, residues 400-420): YQTVLETEDV[Thr410Ala]LILQSSEPCT

ClinVar aggregate classification (germline): Uncertain significance (1 of 4 stars; one submission).

Conditions:
Inborn genetic diseases. Identifiers: MedGen C0950123, MeSH D030342.

Submission:

Ambry Genetics
Classification: Uncertain significance for Inborn genetic diseases. Last evaluated: 2025-07-12. Review status: criteria provided, single submitter. Criteria: Ambry Variant Classification Scheme 2023. Collection method: clinical testing. Allele origin: germline.
Comment: The p.T410A variant (also known as c.1228A>G), located in coding exon 7 of the ERCC6L2 gene, results from an A to G substitution at nucleotide position 1228. The threonine at codon 410 is replaced by alanine, an amino acid with similar properties. This amino acid position is conserved. In addition, this alteration is predicted to be tolerated by in silico analysis. Based on the available evidence, the clinical significance of this variant remains unclear.